The following is an entry in ClinVar:

ClinVar aggregate classification (germline): Likely benign. Review status: criteria provided, multiple submitters, no conflicts (2 of 4 stars). 3 submissions from 3 submitters: Likely benign (2). 1 of the submissions does not count toward it. Last evaluated 2025-11-19.

Conditions:
VPS13B-related disorder. Also called: VPS13B-related condition.
Cohen syndrome (COH1). Also called: PEPPER SYNDROME; Cutis verticis gyrata, retinitis pigmentosa, and sensorineural deafness. Identifiers: Orphanet 193, MedGen C0265223, MONDO:0008999, OMIM 216550.

Allele frequency attached by ClinVar (database versions not stated): gnomAD exomes below 0.00001 and 0.00001; ExAC 0.00001; TOPMed 0.00003; gnomAD 0.00004 and 0.00006.
gnomAD v4.1: 13 of 1,601,704 alleles (0.00081%); highest among the groups gnomAD compares: East Asian, 0.011%; no homozygotes.

Submissions (3):

Labcorp Genetics (formerly Invitae), Labcorp
Classification: Likely benign for Cohen syndrome. Last evaluated: 2025-11-19. Review status: criteria provided, single submitter. Criteria: Invitae Variant Classification Sherloc (09022015). Collection method: clinical testing. Allele origin: germline.

Blueprint Genetics
Classification: Likely benign. Last evaluated: 2020-12-14. Review status: criteria provided, single submitter. Criteria: ACMG Guidelines, 2015. Collection method: clinical testing. Allele origin: germline.

PreventionGenetics, part of Exact Sciences
Classification: Likely benign for VPS13B-related condition. Last evaluated: 2023-04-26. Review status: no assertion criteria provided. Collection method: clinical testing. Allele origin: germline. Not counted in ClinVar's aggregate classification.
Comment: This variant is classified as likely benign based on ACMG/AMP sequence variant interpretation guidelines (Richards et al. 2015 PMID: 25741868, with internal and published modifications).

NM_152564.5(VPS13B):c.2655T>C (p.Asp885=)

Gene: VPS13B (vacuolar protein sorting 13 homolog B; plus strand). Cytogenetic location: 8q22.2.
Variant type: single nucleotide variant.
Coding change: c.2655T>C on transcript NM_152564.5 (MANE Select); coding-DNA position 2655, T replaced by C.
Protein change: p.Asp885=; no amino-acid change (aspartic acid 885 retained).
Molecular consequence: synonymous variant.
Genome position (GRCh38, 1-based): chr8:99,275,085, T>C. VCF-style: chr8-99275085-T-C. GRCh37 (hg19) VCF-style: chr8-100287313-T-C.
Other names: c.2655T>C, p.Asp885= (NM_017890.5); c.2655T>C (NM_152564.4).
Identifiers: ClinVar variation 528868 (VCV000528868.11), dbSNP rs769466569, ClinGen allele CA4822998.